The following is an entry in ClinVar:

NM_000548.5(TSC2):c.3284+3G>C

Gene: TSC2 (TSC complex subunit 2; plus strand). Cytogenetic location: 16p13.3.
Variant type: single nucleotide variant.
Coding change: c.3284+3G>C on transcript NM_000548.5 (MANE Select); 3 bases into the intron after coding-DNA position 3284, G replaced by C.
Molecular consequence: intron variant.
Genome position (GRCh38, 1-based): chr16:2,079,431, G>C. VCF-style: chr16-2079431-G-C. GRCh37 (hg19) VCF-style: chr16-2129432-G-C.
Other names: c.3284+3G>C (NM_001114382.3, NM_000548.3); c.3155+3G>C (NM_021055.3, NM_001370405.1, NM_001363528.2); c.3152+3G>C (NM_001370404.1, NM_001077183.3); c.3044+3G>C (NM_001318827.2); c.2552+3G>C (NM_001318831.2); c.3008+3G>C (NM_001318829.2); c.3185+3G>C (NM_001318832.2).
Identifiers: ClinVar variation 2076505 (VCV002076505.4), dbSNP rs2089847916, ClinGen allele CA2580090948.

ClinVar aggregate classification (germline): Uncertain significance. Review status: criteria provided, multiple submitters, no conflicts (2 of 4 stars). 3 submissions from 3 submitters: Uncertain significance (3). Last evaluated 2026-05-13.

Conditions:
Isolated focal cortical dysplasia type II (FCORD2). Also called: Focal cortical dysplasia type II; CORTICAL DYSPLASIA OF TAYLOR. Identifiers: Orphanet 268994, MedGen C1846385, MONDO:0011818, OMIM 607341, HP:0032051.
Lymphangiomyomatosis (LAM). Also called: Lymphangioleiomyomatosis; Lymphangioleiomyomatosis, somatic. Identifiers: Orphanet 538, MedGen C0751674, MONDO:0011705, OMIM 606690.
Tuberous sclerosis 2 (TSC2). Identifiers: Orphanet 805, MedGen C1860707, MONDO:0013199, OMIM 613254.
Hereditary cancer-predisposing syndrome. Also called: Neoplastic Syndromes, Hereditary; Tumor predisposition; Hereditary Cancer Syndrome; Hereditary neoplastic syndrome. Identifiers: Orphanet 140162, MedGen C0027672, MeSH D009386, MONDO:0015356.

gnomAD v4.1: 1 of 1,612,768 alleles (0.000062%); highest among the groups gnomAD compares: Non-Finnish European, 0.000085%; no homozygotes.

Submissions (3):

Ambry Genetics
Classification: Uncertain significance for Hereditary cancer-predisposing syndrome. Last evaluated: 2026-05-13. Review status: criteria provided, single submitter. Criteria: Ambry Variant Classification Scheme 2023. Collection method: clinical testing. Allele origin: germline.
Comment: The c.3284+3G>C intronic variant results from a G to C substitution 3 nucleotides after coding exon 27 in the TSC2 gene. This nucleotide position is well conserved in available vertebrate species. In silico splice site analysis predicts that this alteration may weaken the native splice donor site; however, direct evidence is insufficient at this time (Ambry internal data). Based on the available evidence, the clinical significance of this variant remains unclear.

Fulgent Genetics
Classification: Uncertain significance for Lymphangiomyomatosis; Isolated focal cortical dysplasia type II; Tuberous sclerosis 2. Last evaluated: 2024-02-20. Review status: criteria provided, single submitter. Criteria: ACMG Guidelines, 2015. Collection method: clinical testing. Allele origin: germline.

Labcorp Genetics (formerly Invitae), Labcorp
Classification: Uncertain significance for Tuberous sclerosis 2. Last evaluated: 2021-02-17. Review status: criteria provided, single submitter. Criteria: Invitae Variant Classification Sherloc (09022015). Collection method: clinical testing. Allele origin: germline.
Comment: This sequence change falls in intron 28 of the TSC2 gene. It does not directly change the encoded amino acid sequence of the TSC2 protein. It affects a nucleotide within the consensus splice site of the intron. This variant is not present in population databases (ExAC no frequency). This variant has not been reported in the literature in individuals with TSC2-related conditions. Nucleotide substitutions within the consensus splice site are a relatively common cause of aberrant splicing (PMID: 17576681, 9536098). Algorithms developed to predict the effect of sequence changes on RNA splicing suggest that this variant may disrupt the consensus splice site, but this prediction has not been confirmed by published transcriptional studies. In summary, the available evidence is currently insufficient to determine the role of this variant in disease. Therefore, it has been classified as a Variant of Uncertain Significance.

Literature cited by the submitters: PubMed 17576681 (cited by Labcorp Genetics (formerly Invitae), Labcorp); PubMed 9536098 (cited by Labcorp Genetics (formerly Invitae), Labcorp).